The following is an entry in ClinVar:

NM_022065.5(THADA):c.4257C>T (p.Asp1419=)

Gene: THADA (THADA armadillo repeat containing; minus strand). Cytogenetic location: 2p21.
Variant type: single nucleotide variant.
Coding change: c.4257C>T on transcript NM_022065.5 (MANE Select); coding-DNA position 4257, C replaced by T.
Protein change: p.Asp1419=; no amino-acid change (aspartic acid 1419 retained).
Molecular consequence: synonymous variant. On other transcripts: non-coding transcript variant (1).
Genome position (GRCh38, 1-based): chr2:43,344,208, G>A on the plus strand (C>T on the coding strand, the complement: THADA is on the minus strand). VCF-style: chr2-43344208-G-A. GRCh37 (hg19) VCF-style: chr2-43571347-G-A.
Other names: c.4257C>T, p.Asp1419= (NM_001083953.2, NM_001345925.2); c.4254C>T, p.Asp1418= (NM_001345923.2); c.4134C>T, p.Asp1378= (NM_001345924.2); c.*328C>T (NM_198554.1).
Identifiers: ClinVar variation 3041925 (VCV003041925.2), dbSNP rs35422033, ClinGen allele CA1632283.
Genomic context (GRCh38, chr2:43,344,208, plus strand): 5'-GGTACAAACAGTGATGTCAGTCAGCTCGTGCTGGAAGTCTGAATTCGTTCCGTGTTTGGA[G>A]TCTGAGTAGGCTTGCAACAAATGAAAAACCTAAACCAAAAAAGAAAAAAAAATCCTGCTG-3'
Protein context (NP_071348.3, residues 1409-1429): QVFHLLQAYS[Asp1419=]SKHGTNSDFQ

ClinVar aggregate classification (germline): Benign (0 of 4 stars; one submission).

Conditions:
THADA-related disorder. Also called: THADA-related condition.

Allele frequency attached by ClinVar (database versions not stated): gnomAD exomes 0.00727; ExAC 0.01061; ESP Exome Variant Server 0.01574; gnomAD 0.01651; TOPMed 0.01806; 1000 Genomes Project 0.01817; 1000 Genomes Project 30x 0.01936.
gnomAD v4.1: 13,349 of 1,612,044 alleles (0.83%); highest among the groups gnomAD compares: African/African-American, 4%; 133 homozygotes.

Submission:

PreventionGenetics, part of Exact Sciences
Classification: Benign for THADA-related condition. Last evaluated: 2019-11-25. Review status: no assertion criteria provided. Collection method: clinical testing. Allele origin: germline.
Comment: This variant is classified as benign based on ACMG/AMP sequence variant interpretation guidelines (Richards et al. 2015 PMID: 25741868, with internal and published modifications).